The following is an entry in ClinVar:

ClinVar aggregate classification (germline): Benign/Likely benign. Review status: criteria provided, multiple submitters, no conflicts (2 of 4 stars). 3 submissions from 3 submitters: Benign (2); Likely benign (1). Last evaluated 2024-01-01.

Allele frequency attached by ClinVar (database versions not stated): gnomAD exomes 0.00039 and 0.00094; ExAC 0.00107; 1000 Genomes Project 0.00260; gnomAD 0.00261 and 0.00278; 1000 Genomes Project 30x 0.00265; ESP Exome Variant Server 0.00300; TOPMed 0.00303.
gnomAD v4.1: 992 of 1,613,826 alleles (0.061%); highest among the groups gnomAD compares: African/African-American, 0.79%; 3 homozygotes.

Submissions (3):

CeGaT Center for Human Genetics Tuebingen
Classification: Likely benign. Last evaluated: 2024-01-01. Review status: criteria provided, single submitter. Criteria: CeGaT Center For Human Genetics Tuebingen Variant Classification Criteria Version 2. Collection method: clinical testing. Allele origin: germline. Affected: yes. Observed: 1 variant allele.
Comment: MLXIPL: BP4, BP7

Labcorp Genetics (formerly Invitae), Labcorp
Classification: Benign. Last evaluated: 2019-12-31. Review status: criteria provided, single submitter. Criteria: Invitae Variant Classification Sherloc (09022015). Collection method: clinical testing. Allele origin: germline.

Breakthrough Genomics
Classification: Benign. Review status: criteria provided, single submitter. Criteria: ACMG Guidelines, 2015. Collection method: not provided. Allele origin: germline. Inheritance: Unknown mechanism. Affected: yes.

NM_032951.3(MLXIPL):c.594A>G (p.Glu198=)

Gene: MLXIPL (MLX interacting protein like; minus strand). Cytogenetic location: 7q11.23.
Variant type: single nucleotide variant.
Coding change: c.594A>G on transcript NM_032951.3 (MANE Select); coding-DNA position 594, A replaced by G.
Protein change: p.Glu198=; no amino-acid change (glutamic acid 198 retained).
Molecular consequence: synonymous variant. On other transcripts: non-coding transcript variant (1).
Genome position (GRCh38, 1-based): chr7:73,606,998, T>C on the plus strand (A>G on the coding strand, the complement: MLXIPL is on the minus strand). VCF-style: chr7-73606998-T-C. GRCh37 (hg19) VCF-style: chr7-73021328-T-C.
Other names: c.594A>G, p.Glu198= (NM_032952.3, NM_032953.3, NM_032954.3).
Identifiers: ClinVar variation 730305 (VCV000730305.27), dbSNP rs138119872, ClinGen allele CA4289473.
Genomic context (GRCh38, chr7:73,606,998, plus strand): 5'-GGATGCCCTTGCCTGCTGGACTTACAGAGCACCCACCTGCTTAGGGGCCAGGAGGTCATC[T>C]TCCCTGCTGGGCTTACGGAGCTGCAGGGACACACAGAGTTGGACACCGGATCCCTTGCCC-3'
Protein context (NP_116569.1, residues 188-208): YKKRLRKPSR[Glu198=]DDLLAPKQAE